The following is an entry in ClinVar:

NM_001166108.2(PALLD):c.1924C>T (p.Pro642Ser)

Gene: PALLD (palladin, cytoskeletal associated protein; plus strand). Cytogenetic location: 4q32.3.
Variant type: single nucleotide variant.
Coding change: c.1924C>T on transcript NM_001166108.2 (MANE Select); coding-DNA position 1924, C replaced by T.
Protein change: p.Pro642Ser; replaces proline 642 with serine.
Molecular consequence: missense variant.
Genome position (GRCh38, 1-based): chr4:168,711,883, C>T. VCF-style: chr4-168711883-C-T. GRCh37 (hg19) VCF-style: chr4-169633034-C-T.
Other names: c.778C>T, p.Pro260Ser (NM_001166109.2); c.1924C>T, p.Pro642Ser (NM_016081.4); short protein forms P642S, P260S.
Identifiers: ClinVar variation 2496986 (VCV002496986.2), dbSNP rs2531857511, ClinGen allele CA358798778.

ClinVar aggregate classification (germline): Uncertain significance (1 of 4 stars; one submission).

Submission:

Ambry Genetics
Classification: Uncertain significance. Last evaluated: 2022-12-31. Review status: criteria provided, single submitter. Criteria: Ambry Variant Classification Scheme 2023. Collection method: clinical testing. Allele origin: germline.
Comment: The p.P642S variant (also known as c.1924C>T), located in coding exon 9 of the PALLD gene, results from a C to T substitution at nucleotide position 1924. The proline at codon 642 is replaced by serine, an amino acid with similar properties. This amino acid position is conserved. In addition, the in silico prediction for this alteration is inconclusive. Since supporting evidence is limited at this time, the clinical significance of this alteration remains unclear.